The following is an entry in ClinVar:

ClinVar aggregate classification (germline): Uncertain significance (1 of 4 stars; one submission).

Allele frequency attached by ClinVar (database versions not stated): TOPMed below 0.00001; ExAC 0.00001; gnomAD exomes 0.00001.

Submission:

Labcorp Genetics (formerly Invitae), Labcorp
Classification: Uncertain significance. Last evaluated: 2022-02-22. Review status: criteria provided, single submitter. Criteria: Invitae Variant Classification Sherloc (09022015). Collection method: clinical testing. Allele origin: germline.
Comment: This sequence change replaces glycine, which is neutral and non-polar, with glutamic acid, which is acidic and polar, at codon 287 of the ACAD9 protein (p.Gly287Glu). This variant is present in population databases (rs762883679, gnomAD 0.006%). This missense change has been observed in individual(s) with mitochondrial complex I deficiency (PMID: 28973083). Advanced modeling of protein sequence and biophysical properties (such as structural, functional, and spatial information, amino acid conservation, physicochemical variation, residue mobility, and thermodynamic stability) performed at Invitae indicates that this missense variant is expected to disrupt ACAD9 protein function. In summary, the available evidence is currently insufficient to determine the role of this variant in disease. Therefore, it has been classified as a Variant of Uncertain Significance.

Literature cited by the submitters: PubMed 28973083.

NM_014049.5(ACAD9):c.860G>A (p.Gly287Glu)

Gene: ACAD9 (acyl-CoA dehydrogenase family member 9; plus strand). Cytogenetic location: 3q21.3.
Variant type: single nucleotide variant.
Coding change: c.860G>A on transcript NM_014049.5 (MANE Select); coding-DNA position 860, G replaced by A.
Protein change: p.Gly287Glu; replaces glycine 287 with glutamic acid.
Molecular consequence: missense variant. On other transcripts: non-coding transcript variant (1).
Genome position (GRCh38, 1-based): chr3:128,901,327, G>A. VCF-style: chr3-128901327-G-A. GRCh37 (hg19) VCF-style: chr3-128620170-G-A.
Other names: c.491G>A, p.Gly164Glu (NM_001410805.1); short protein forms G164E, G287E.
Identifiers: ClinVar variation 2201881 (VCV002201881.1), dbSNP rs762883679, ClinGen allele CA2601308.
Genomic context (GRCh38, chr3:128,901,327, plus strand): 5'-GTGTTTCAGCTTGTGAAGTCCATTTTGAAAACACCAAGATACCTGTGGAAAACATCCTTG[G>A]AGAGGTCGGAGATGGGTTTAAGGTGAGTTGCCAGCCACAGCCCCTTGTACCAGGTAGTGT-3'
Protein context (NP_054768.2, residues 277-297): NTKIPVENIL[Gly287Glu]EVGDGFKVAM